The following is an entry in ClinVar:

ClinVar aggregate classification (germline): Uncertain significance. Review status: criteria provided, single submitter (1 of 4 stars). 2 submissions from 2 submitters: Uncertain significance (1). 1 of the submissions does not count toward it. Last evaluated 2022-07-19.

Conditions:
Neuronal ceroid lipofuscinosis 2. Also called: TPP1-Related Neuronal Ceroid-Lipofuscinosis; JANSKY-BIELSCHOWSKY DISEASE NEURONAL CEROID LIPOFUSCINOSIS, LATE INFANTILE. Identifiers: Orphanet 168491, Orphanet 228349, Orphanet 79264, MedGen C1876161, MONDO:0008769, OMIM 204500.

Allele frequency attached by ClinVar (database versions not stated): gnomAD exomes below 0.00001 and 0.00001; ExAC 0.00002; gnomAD 0.00003; TOPMed 0.00004.
gnomAD v4.1: 10 of 1,614,080 alleles (0.00062%); highest among the groups gnomAD compares: African/African-American, 0.012%; no homozygotes.

Submissions (2):

Labcorp Genetics (formerly Invitae), Labcorp
Classification: Uncertain significance. Last evaluated: 2022-07-19. Review status: criteria provided, single submitter. Criteria: Invitae Variant Classification Sherloc (09022015). Collection method: clinical testing. Allele origin: germline.
Comment: This sequence change replaces aspartic acid, which is acidic and polar, with glutamic acid, which is acidic and polar, at codon 26 of the TPP1 protein (p.Asp26Glu). This variant is present in population databases (rs760252179, gnomAD 0.01%). This variant has not been reported in the literature in individuals affected with TPP1-related conditions. ClinVar contains an entry for this variant (Variation ID: 457947). Advanced modeling of protein sequence and biophysical properties (such as structural, functional, and spatial information, amino acid conservation, physicochemical variation, residue mobility, and thermodynamic stability) performed at Invitae indicates that this missense variant is not expected to disrupt TPP1 protein function. In summary, the available evidence is currently insufficient to determine the role of this variant in disease. Therefore, it has been classified as a Variant of Uncertain Significance.

Natera, Inc.
Classification: Uncertain significance for Neuronal ceroid lipofuscinosis 2. Last evaluated: 2020-12-07. Review status: no assertion criteria provided. Collection method: clinical testing. Allele origin: germline. Not counted in ClinVar's aggregate classification.

NM_000391.4(TPP1):c.78C>A (p.Asp26Glu)

Gene: TPP1 (tripeptidyl peptidase 1; minus strand). Cytogenetic location: 11p15.4.
Variant type: single nucleotide variant.
Coding change: c.78C>A on transcript NM_000391.4 (MANE Select); coding-DNA position 78, C replaced by A.
Protein change: p.Asp26Glu; replaces aspartic acid 26 with glutamic acid.
Molecular consequence: missense variant.
Genome position (GRCh38, 1-based): chr11:6,619,207, G>T on the plus strand (C>A on the coding strand, the complement: TPP1 is on the minus strand). VCF-style: chr11-6619207-G-T. GRCh37 (hg19) VCF-style: chr11-6640438-G-T.
Other names: short protein forms D26E.
Identifiers: ClinVar variation 457947 (VCV000457947.9), dbSNP rs760252179, ClinGen allele CA5859072.